The following is an entry in ClinVar:

NM_020066.5(FMN2):c.2834C>T (p.Pro945Leu)

Gene: FMN2 (formin 2; plus strand). Cytogenetic location: 1q43.
Variant type: single nucleotide variant.
Coding change: c.2834C>T on transcript NM_020066.5 (MANE Select); coding-DNA position 2834, C replaced by T.
Protein change: p.Pro945Leu; replaces proline 945 with leucine.
Molecular consequence: missense variant. On other transcripts: intron variant (1).
Genome position (GRCh38, 1-based): chr1:240,207,646, C>T. VCF-style: chr1-240207646-C-T. GRCh37 (hg19) VCF-style: chr1-240370946-C-T.
Other names: c.2846C>T, p.Pro949Leu (NM_001305424.2); c.1986+19384C>T (NM_001348094.2); short protein forms P945L, P949L.
Identifiers: ClinVar variation 1319706 (VCV001319706.13), dbSNP rs193049501, ClinGen allele CA1476792.

ClinVar aggregate classification (germline): Conflicting classifications of pathogenicity. Review status: criteria provided, conflicting classifications (1 of 4 stars). 4 submissions from 4 submitters: Uncertain significance (2); Likely benign (2). Last evaluated 2025-09-01.

Allele frequency attached by ClinVar (database versions not stated): gnomAD 0.00031; gnomAD exomes 0.00035 and 0.00040; ExAC 0.00066.
gnomAD v4.1: 411 of 1,023,668 alleles (0.04%); highest among the groups gnomAD compares: Non-Finnish European, 0.044%; 16 homozygotes.

Submissions (4):

CeGaT Center for Human Genetics Tuebingen
Classification: Likely benign. Last evaluated: 2025-09-01. Review status: criteria provided, single submitter. Criteria: CeGaT Center For Human Genetics Tuebingen Variant Classification Criteria Version 2. Collection method: clinical testing. Allele origin: germline. Affected: yes. Observed: 3 variant alleles.
Comment: FMN2: BS2

Laboratory of Genetics, Children's Clinical University Hospital Latvia
Classification: Likely benign. Last evaluated: 2025-02-16. Review status: criteria provided, single submitter. Criteria: ACMG Guidelines, 2015. Collection method: clinical testing. Allele origin: germline. Affected: yes.

Institute for Clinical Genetics, University Hospital TU Dresden, University Hospital TU Dresden
Classification: Uncertain significance. Last evaluated: 2021-11-03. Review status: criteria provided, single submitter. Criteria: ACMG Guidelines, 2015. Collection method: clinical testing. Allele origin: germline.

Breakthrough Genomics
Classification: Uncertain significance. Review status: criteria provided, single submitter. Criteria: ACMG Guidelines, 2015. Collection method: not provided. Allele origin: germline. Inheritance: Autosomal recessive inheritance. Affected: yes.